The following is an entry in ClinVar:

NM_018060.4(IARS2):c.25G>A (p.Gly9Arg)

Genes: IARS2 (isoleucyl-tRNA synthetase 2, mitochondrial; plus strand), LOC129932529 (ATAC-STARR-seq lymphoblastoid silent region 1823; plus strand). Cytogenetic location: 1q41.
Variant type: single nucleotide variant.
Coding change: c.25G>A on transcript NM_018060.4 (MANE Select); coding-DNA position 25, G replaced by A.
Protein change: p.Gly9Arg; replaces glycine 9 with arginine.
Molecular consequence: missense variant.
Genome position (GRCh38, 1-based): chr1:220,094,241, G>A. VCF-style: chr1-220094241-G-A. GRCh37 (hg19) VCF-style: chr1-220267583-G-A.
Other names: short protein forms G9R.
Identifiers: ClinVar variation 2420126 (VCV002420126.5), dbSNP rs575500514, ClinGen allele CA1401021.

ClinVar aggregate classification (germline): Uncertain significance (1 of 4 stars; one submission).

Allele frequency attached by ClinVar (database versions not stated): ExAC 0.00001; gnomAD 0.00001; 1000 Genomes Project 30x 0.00016; 1000 Genomes Project 0.00020.
gnomAD v4.1: 9 of 1,595,532 alleles (0.00056%); highest among the groups gnomAD compares: South Asian, 0.0045%; no homozygotes.

Submission:

Labcorp Genetics (formerly Invitae), Labcorp
Classification: Uncertain significance. Last evaluated: 2024-08-23. Review status: criteria provided, single submitter. Criteria: Invitae Variant Classification Sherloc (09022015). Collection method: clinical testing. Allele origin: germline.
Comment: This sequence change replaces glycine, which is neutral and non-polar, with arginine, which is basic and polar, at codon 9 of the IARS2 protein (p.Gly9Arg). This variant is present in population databases (rs575500514, gnomAD 0.006%). This variant has not been reported in the literature in individuals affected with IARS2-related conditions. ClinVar contains an entry for this variant (Variation ID: 2420126). An algorithm developed to predict the effect of missense changes on protein structure and function outputs the following: PolyPhen-2: "Benign". The arginine amino acid residue is found in multiple mammalian species, which suggests that this missense change does not adversely affect protein function. In summary, the available evidence is currently insufficient to determine the role of this variant in disease. Therefore, it has been classified as a Variant of Uncertain Significance.